The following is an entry in ClinVar:

ClinVar aggregate classification (germline): Uncertain significance (1 of 4 stars; one submission).

gnomAD v4.1: 2 of 1,614,240 alleles (0.00012%); highest among the groups gnomAD compares: Non-Finnish European, 0.00017%; no homozygotes.

Submission:

Ambry Genetics
Classification: Uncertain significance. Last evaluated: 2025-01-14. Review status: criteria provided, single submitter. Criteria: Ambry Variant Classification Scheme 2023. Collection method: clinical testing. Allele origin: germline.
Comment: The p.R49G variant (also known as c.145A>G), located in coding exon 1 of the RNF43 gene, results from an A to G substitution at nucleotide position 145. The arginine at codon 49 is replaced by glycine, an amino acid with dissimilar properties. This amino acid position is conserved. In addition, the in silico prediction for this alteration is inconclusive. Based on the available evidence, the clinical significance of this variant remains unclear.

NM_017763.6(RNF43):c.145A>G (p.Arg49Gly)

Gene: RNF43 (ring finger protein 43; minus strand). Cytogenetic location: 17q22.
Variant type: single nucleotide variant.
Coding change: c.145A>G on transcript NM_017763.6 (MANE Select); coding-DNA position 145, A replaced by G.
Protein change: p.Arg49Gly; replaces arginine 49 with glycine.
Molecular consequence: missense variant.
Genome position (GRCh38, 1-based): chr17:58,415,433, T>C on the plus strand (A>G on the coding strand, the complement: RNF43 is on the minus strand). VCF-style: chr17-58415433-T-C. GRCh37 (hg19) VCF-style: chr17-56492794-T-C.
Other names: c.145A>G, p.Arg49Gly (NM_001305544.3); short protein forms R49G.
Identifiers: ClinVar variation 3789903 (VCV003789903.1).